The following is an entry in ClinVar:

ClinVar aggregate classification (germline): Uncertain significance (1 of 4 stars; one submission).

Conditions:
Familial hypokalemia-hypomagnesemia (GTLMNS). Also called: HYPOMAGNESEMIA-HYPOKALEMIA, PRIMARY RENOTUBULAR, WITH HYPOCALCIURIA; POTASSIUM AND MAGNESIUM DEPLETION; gitelman syndrome. Identifiers: Orphanet 358, MedGen C0268450, MONDO:0009904, OMIM 263800.

Submission:

Juno Genomics, Hangzhou Juno Genomics, Inc
Classification: Uncertain significance for Familial hypokalemia-hypomagnesemia. Review status: criteria provided, single submitter. Criteria: ACMG Guidelines, 2015. Collection method: clinical testing. Allele origin: germline. Affected: yes.
Comment: Absent from controls (or at extremely low frequency if recessive) in Genome Aggregation Database.

NM_001126108.2(SLC12A3):c.1956del (p.Asn653fs)

Gene: SLC12A3 (solute carrier family 12 member 3; plus strand). Cytogenetic location: 16q13.
Variant type: Deletion.
Coding change: c.1956del on transcript NM_001126108.2 (MANE Select); coding-DNA position 1956, one base deleted (C; older notation c.1956delC).
Protein change: p.Asn653fs; shifts the reading frame from asparagine 653.
Molecular consequence: frameshift variant.
Genome position (GRCh38, 1-based): chr16:56,886,394, C deleted; the last of 6 consecutive C bases (chr16:56,886,389-56,886,394); deleting any one gives the same sequence. VCF-style (leftmost placement, unchanged base first): chr16-56886388-GC-G. GRCh37 (hg19) VCF-style: chr16-56920300-GC-G.
Other names: c.1956del, p.Asn653fs (NM_000339.3); c.1953del, p.Asn652fs (NM_001126107.2, NM_001410896.1); short protein forms N652fs, N653fs.
Identifiers: ClinVar variation 3383148 (VCV003383148.3).